The following is an entry in ClinVar:

ClinVar aggregate classification (germline): Uncertain significance. Review status: criteria provided, multiple submitters, no conflicts (2 of 4 stars). 2 submissions from 2 submitters: Uncertain significance (2). Last evaluated 2025-12-15.

Conditions:
Inborn genetic diseases. Identifiers: MedGen C0950123, MeSH D030342.

Allele frequency attached by ClinVar (database versions not stated): ExAC 0.00005; gnomAD exomes 0.00007 and 0.00008; TOPMed 0.00010; gnomAD 0.00011.
gnomAD v4.1: 136 of 1,613,990 alleles (0.0084%); highest among the groups gnomAD compares: Non-Finnish European, 0.011%; no homozygotes.

Submissions (2):

Labcorp Genetics (formerly Invitae), Labcorp
Classification: Uncertain significance. Last evaluated: 2025-12-15. Review status: criteria provided, single submitter. Criteria: Invitae Variant Classification Sherloc (09022015). Collection method: clinical testing. Allele origin: germline.
Comment: This sequence change replaces serine, which is neutral and polar, with leucine, which is neutral and non-polar, at codon 560 of the GALNT2 protein (p.Ser560Leu). This variant is present in population databases (rs763060989, gnomAD 0.01%). This variant has not been reported in the literature in individuals affected with GALNT2-related conditions. ClinVar contains an entry for this variant (Variation ID: 1443036). Invitae Evidence Modeling of protein sequence and biophysical properties (such as structural, functional, and spatial information, amino acid conservation, physicochemical variation, residue mobility, and thermodynamic stability) indicates that this missense variant is not expected to disrupt GALNT2 protein function with a negative predictive value of 80%. In summary, the available evidence is currently insufficient to determine the role of this variant in disease. Therefore, it has been classified as a Variant of Uncertain Significance.

Ambry Genetics
Classification: Uncertain significance for Inborn genetic diseases. Last evaluated: 2021-08-12. Review status: criteria provided, single submitter. Criteria: Ambry Variant Classification Scheme 2023. Collection method: clinical testing. Allele origin: germline.

NM_004481.5(GALNT2):c.1679C>T (p.Ser560Leu)

Gene: GALNT2 (polypeptide N-acetylgalactosaminyltransferase 2; plus strand). Cytogenetic location: 1q42.13.
Variant type: single nucleotide variant.
Coding change: c.1679C>T on transcript NM_004481.5 (MANE Select); coding-DNA position 1679, C replaced by T.
Protein change: p.Ser560Leu; replaces serine 560 with leucine.
Molecular consequence: missense variant.
Genome position (GRCh38, 1-based): chr1:230,279,421, C>T. VCF-style: chr1-230279421-C-T. GRCh37 (hg19) VCF-style: chr1-230415167-C-T.
Other names: c.1679C>T (NM_004481.3); c.1565C>T, p.Ser522Leu (NM_001291866.2); short protein forms S522L, S560L.
Identifiers: ClinVar variation 1443036 (VCV001443036.8), dbSNP rs763060989, ClinGen allele CA1446600.
Genomic context (GRCh38, chr1:230,279,421, plus strand): 5'-TGGACAGTCGCACGGCCAAGAGCGGGGGCCTAAGCGTGGAGGTGTGTGGCCCGGCCCTTT[C>T]GCAGCAGTGGAAGTTCACGCTCAACCTGCAGCAGTAGGAGGGTCCGGGAGGCCCTGCCGT-3'
Protein context (NP_004472.1, residues 550-570): LSVEVCGPAL[Ser560Leu]QQWKFTLNLQ